The following is an entry in ClinVar:

NM_173560.4(RFX6):c.541C>T (p.Arg181Trp)

Gene: RFX6 (regulatory factor X6; plus strand). Cytogenetic location: 6q22.1.
Variant type: single nucleotide variant.
Coding change: c.541C>T on transcript NM_173560.4 (MANE Select); coding-DNA position 541, C replaced by T.
Protein change: p.Arg181Trp; replaces arginine 181 with tryptophan.
Molecular consequence: missense variant.
Genome position (GRCh38, 1-based): chr6:116,882,403, C>T. VCF-style: chr6-116882403-C-T. GRCh37 (hg19) VCF-style: chr6-117203566-C-T.
Other names: short protein forms R181W.
Identifiers: ClinVar variation 130157 (VCV000130157.8), dbSNP rs587780440, ClinGen allele CA154970.

ClinVar aggregate classification (germline): Pathogenic/Likely pathogenic. Review status: criteria provided, multiple submitters, no conflicts (2 of 4 stars). 3 submissions from 3 submitters: Pathogenic (1); Likely pathogenic (2). Last evaluated 2025-09-02.

Conditions:
RFX6-related disorder. Also called: RFX6-related condition.
Hypoplastic pancreas-intestinal atresia-hypoplastic gallbalder syndrome. Also called: DIABETES, NEONATAL, WITH PANCREATIC HYPOPLASIA, INTESTINAL ATRESIA, AND GALLBLADDER APLASIA OR HYPOPLASIA; Mitchell-Riley syndrome. Identifiers: Orphanet 293864, MedGen C2748662, MONDO:0017400, OMIM 615710.

Allele frequency attached by ClinVar (database versions not stated): gnomAD exomes below 0.00001; TOPMed 0.00002.
gnomAD v4.1: 16 of 1,612,564 alleles (0.00099%); highest among the groups gnomAD compares: Admixed American, 0.0017%; no homozygotes.

Submissions (3):

Labcorp Genetics (formerly Invitae), Labcorp
Classification: Pathogenic. Last evaluated: 2025-09-02. Review status: criteria provided, single submitter. Criteria: Invitae Variant Classification Sherloc (09022015). Collection method: clinical testing. Allele origin: germline.
Comment: This sequence change replaces arginine, which is basic and polar, with tryptophan, which is neutral and slightly polar, at codon 181 of the RFX6 protein (p.Arg181Trp). This variant is present in population databases (rs587780440, gnomAD 0.0009%). This missense change has been observed in individuals with diabetes and/or Mitchell-Riley syndrome (PMID: 26770845, 35307919, 35813646, 36208030). ClinVar contains an entry for this variant (Variation ID: 130157). Invitae Evidence Modeling of protein sequence and biophysical properties (such as structural, functional, and spatial information, amino acid conservation, physicochemical variation, residue mobility, and thermodynamic stability) indicates that this missense variant is expected to disrupt RFX6 protein function with a positive predictive value of 80%. This variant disrupts the p.Arg181 amino acid residue in RFX6. Other variant(s) that disrupt this residue have been observed in individuals with RFX6-related conditions (PMID: 20148032, 21215266), which suggests that this may be a clinically significant amino acid residue. For these reasons, this variant has been classified as Pathogenic.

Blueprint Genetics
Classification: Likely pathogenic for RFX6-related disorders. Last evaluated: 2024-03-28. Review status: criteria provided, single submitter. Criteria: ACMG Guidelines, 2015. Collection method: clinical testing. Allele origin: germline. Affected: yes. Observed: 1 variant allele.

Genetic Services Laboratory, University of Chicago
Classification: Likely pathogenic for Mitchell-Riley syndrome. Last evaluated: 2014-03-22. Review status: criteria provided, single submitter. Criteria: ACMG Guidelines, 2007. Collection method: clinical testing. Allele origin: germline. Inheritance: Autosomal recessive inheritance. Affected: yes.

Literature cited by the submitters: PubMed 26770845 (cited by Labcorp Genetics (formerly Invitae), Labcorp); PubMed 35307919 (cited by Labcorp Genetics (formerly Invitae), Labcorp); PubMed 35813646 (cited by Labcorp Genetics (formerly Invitae), Labcorp); PubMed 36208030 (cited by Labcorp Genetics (formerly Invitae), Labcorp); PubMed 20148032 (cited by Labcorp Genetics (formerly Invitae), Labcorp); PubMed 21215266 (cited by Labcorp Genetics (formerly Invitae), Labcorp).